The following is an entry in ClinVar:

ClinVar aggregate classification (germline): Uncertain significance. Review status: criteria provided, multiple submitters, no conflicts (2 of 4 stars). 2 submissions from 2 submitters: Uncertain significance (2). Last evaluated 2025-09-27.

Conditions:
Inborn genetic diseases. Identifiers: MedGen C0950123, MeSH D030342.

gnomAD v4.1: 6 of 1,612,886 alleles (0.00037%); highest among the groups gnomAD compares: East Asian, 0.0022%; no homozygotes.

Submissions (2):

Ambry Genetics
Classification: Uncertain significance for Inborn genetic diseases. Last evaluated: 2025-09-27. Review status: criteria provided, single submitter. Criteria: Ambry Variant Classification Scheme 2023. Collection method: clinical testing. Allele origin: germline.
Comment: The c.2330G>A (p.R777H) alteration is located in exon 15 (coding exon 14) of the POGZ gene. This alteration results from a G to A substitution at nucleotide position 2330, causing the arginine (R) at amino acid position 777 to be replaced by a histidine (H). Based on data from gnomAD, the A allele has an overall frequency of <0.001% (1/251410) total alleles studied. The highest observed frequency was 0.005% (1/18390) of East Asian alleles. Based on insufficient or conflicting evidence, the clinical significance of this alteration remains unclear.

Blueprint Genetics
Classification: Uncertain significance. Last evaluated: 2021-02-24. Review status: criteria provided, single submitter. Criteria: ACMG Guidelines, 2015. Collection method: clinical testing. Allele origin: germline.

NM_015100.4(POGZ):c.2330G>A (p.Arg777His)

Gene: POGZ (pogo transposable element derived with ZNF domain; minus strand). Cytogenetic location: 1q21.3.
Variant type: single nucleotide variant.
Coding change: c.2330G>A on transcript NM_015100.4 (MANE Select); coding-DNA position 2330, G replaced by A.
Protein change: p.Arg777His; replaces arginine 777 with histidine.
Molecular consequence: missense variant.
Genome position (GRCh38, 1-based): chr1:151,408,145, C>T on the plus strand (G>A on the coding strand, the complement: POGZ is on the minus strand). VCF-style: chr1-151408145-C-T. GRCh37 (hg19) VCF-style: chr1-151380621-C-T.
Other names: c.2303G>A, p.Arg768His (NM_001194937.2); c.2144G>A, p.Arg715His (NM_001194938.2); c.2351G>A, p.Arg784His (NM_001410860.1); c.2045G>A, p.Arg682His (NM_145796.4); c.2171G>A, p.Arg724His (NM_207171.2); short protein forms R784H, R682H, R724H, R777H, R715H, R768H.
Identifiers: ClinVar variation 4628122 (VCV004628122.2).
Genomic context (GRCh38, chr1:151,408,145, plus strand): 5'-TAAAAACCAACTTACTTGATCATGTGGTTGGCATAAGCTCGAGAACAGCAGGTGCTATAG[C>T]GACACAGAGAGCAGTGTACGTAAGTAGGGAAATGATTAGGGAAGTCTGGGATCTCGAAGC-3'
Protein context (NP_055915.2, residues 767-787): FPTYVHCSLC[Arg777His]YSTCCSRAYA